The following is an entry in ClinVar:

ClinVar aggregate classification (germline): Likely pathogenic (1 of 4 stars; one submission).

Conditions:
Inborn genetic diseases. Identifiers: MedGen C0950123, MeSH D030342.

Submission:

Ambry Genetics
Classification: Likely pathogenic for Inborn genetic diseases. Last evaluated: 2020-10-05. Review status: criteria provided, single submitter. Criteria: Ambry Variant Classification Scheme 2023. Collection method: clinical testing. Allele origin: germline.
Comment: The c.1229_1230delTT (p.F410Sfs*33) alteration, located in coding exon 11 of the INPP5K gene, consists of a deletion of 2 nucleotides from position 1229 to 1230, causing a translational frameshift with a predicted alternate stop codon after 33 amino acids. This alteration occurs at the 3' terminus of the INPP5K gene, is not expected to trigger nonsense-mediated mRNA decay, and only impacts the last 9% of the protein. However, premature stop codons are typically deleterious in nature, an additional frameshift alteration downstream of this alteration has been reported in the literature as disease-causing, and the impacted region is critical for protein function (Ambry internal data). Based on data from the Genome Aggregation Database (gnomAD), the INPP5K c.1229_1230delTT alteration was not observed, with coverage at this position. A downstream frameshift alteration, c.1251_1252delCA (p.Asn417Lysfs*26), with the same reading frameshift has been described in trans with a second alteration in a patient with features consistent with INPP5K-related muscular dystrophy with cataracts. Phosphatase activity assays observed protein function from this alteration was 57% of wild type function (Osborn, 2017). Based on internal structural analysis, the c.1229_1230delTT (p.F410Sfs*33) alteration involves the region between amino acid positions 318-448, which is required for interaction with GPR78 and Pak1 based on UniPro database (Ijuin, 2016). This alteration interrupts ~28% of the protein-protein binding region and is predicted to disrupt protein-protein interaction. Based on the available evidence, this alteration is classified as likely pathogenic.

Literature cited by the submitters: PubMed 26940976; PubMed 28190459.

NM_016532.4(INPP5K):c.1229_1230del (p.Phe410fs)

Gene: INPP5K (inositol polyphosphate-5-phosphatase K; minus strand). Cytogenetic location: 17p13.3.
Variant type: Deletion.
Coding change: c.1229_1230del on transcript NM_016532.4 (MANE Select); coding-DNA positions 1229 to 1230, 2 bases deleted (TT; older notation c.1229_1230delTT).
Protein change: p.Phe410fs; shifts the reading frame from phenylalanine 410.
Molecular consequence: frameshift variant.
Genome position (GRCh38, 1-based): chr17:1,496,120-1,496,121, AA deleted on the plus strand (TT on the coding strand, the reverse complement: INPP5K is on the minus strand); deleting any 2 consecutive bases within chr17:1,496,120-1,496,122 gives the same sequence; the c. name uses the placement nearest the transcript's 3' end. VCF-style (leftmost placement, unchanged base first): chr17-1496119-GAA-G. GRCh37 (hg19) VCF-style: chr17-1399413-GAA-G.
Other names: c.1001_1002del, p.Phe334fs (NM_001135642.2, NM_130766.3); short protein forms F334fs, F410fs.
Identifiers: ClinVar variation 2227818 (VCV002227818.2), dbSNP rs2543887096, ClinGen allele CA2580092427.